The following is an entry in ClinVar:

NM_170675.5(MEIS2):c.1271dup (p.Met425fs)

Gene: MEIS2 (Meis homeobox 2; minus strand). Cytogenetic location: 15q14.
Variant type: Duplication.
Coding change: c.1271dup on transcript NM_170675.5 (MANE Select); coding-DNA position 1271, one base duplicated (C; older notation c.1271dupC).
Protein change: p.Met425fs; shifts the reading frame from methionine 425.
Molecular consequence: frameshift variant. On other transcripts: 3 prime UTR variant (5), non-coding transcript variant (1).
Genome position (GRCh38, 1-based): chr15:36,892,336, G duplicated on the plus strand (C on the coding strand, the reverse complement: MEIS2 is on the minus strand); the first of 5 consecutive G bases (chr15:36,892,336-36,892,340); duplicating any one gives the same sequence. VCF-style (leftmost placement, unchanged base first): chr15-36892335-T-TG. GRCh37 (hg19) VCF-style: chr15-37184536-T-TG.
Other names: c.1250dup, p.Met418fs (NM_001220482.2, NM_170676.5); c.*161dup (NM_002399.4, NM_170674.5, NM_170677.5 and 2 more transcripts); short protein forms M425fs, M418fs.
Identifiers: ClinVar variation 2232077 (VCV002232077.2), dbSNP rs2504225219, ClinGen allele CA2580089289.

ClinVar aggregate classification (germline): Uncertain significance (1 of 4 stars; one submission).

Conditions:
Inborn genetic diseases. Identifiers: MedGen C0950123, MeSH D030342.

Submission:

Ambry Genetics
Classification: Uncertain significance for Inborn genetic diseases. Last evaluated: 2021-07-23. Review status: criteria provided, single submitter. Criteria: Ambry Variant Classification Scheme 2023. Collection method: clinical testing. Allele origin: germline.
Comment: Not expected to trigger nonsense-mediated mRNA decay. Based on insufficient or conflicting evidence, the clinical significance of this alteration remains unclear.